The following is an entry in ClinVar:

ClinVar aggregate classification (germline): Uncertain significance. Review status: criteria provided, multiple submitters, no conflicts (2 of 4 stars). 2 submissions from 2 submitters: Uncertain significance (2). Last evaluated 2024-05-04.

Conditions:
Hereditary cancer-predisposing syndrome. Also called: Tumor predisposition; Hereditary Cancer Syndrome; Hereditary neoplastic syndrome; Neoplastic Syndromes, Hereditary. Identifiers: Orphanet 140162, MedGen C0027672, MeSH D009386, MONDO:0015356.

Submissions (2):

Ambry Genetics
Classification: Uncertain significance for Hereditary cancer-predisposing syndrome. Last evaluated: 2024-05-04. Review status: criteria provided, single submitter. Criteria: Ambry Variant Classification Scheme 2023. Collection method: clinical testing. Allele origin: germline.
Comment: The p.E350Q variant (also known as c.1048G>C), located in coding exon 6 of the CTNNA1 gene, results from a G to C substitution at nucleotide position 1048. The glutamic acid at codon 350 is replaced by glutamine, an amino acid with highly similar properties. This amino acid position is conserved. In addition, the in silico prediction for this alteration is inconclusive. Based on the available evidence, the clinical significance of this variant remains unclear.

Labcorp Genetics (formerly Invitae), Labcorp
Classification: Uncertain significance. Last evaluated: 2024-02-14. Review status: criteria provided, single submitter. Criteria: Invitae Variant Classification Sherloc (09022015). Collection method: clinical testing. Allele origin: germline.
Comment: This sequence change replaces glutamic acid, which is acidic and polar, with glutamine, which is neutral and polar, at codon 350 of the CTNNA1 protein (p.Glu350Gln). This variant is not present in population databases (gnomAD no frequency). This variant has not been reported in the literature in individuals affected with CTNNA1-related conditions. Advanced modeling of protein sequence and biophysical properties (such as structural, functional, and spatial information, amino acid conservation, physicochemical variation, residue mobility, and thermodynamic stability) performed at Invitae indicates that this missense variant is not expected to disrupt CTNNA1 protein function with a negative predictive value of 80%. In summary, the available evidence is currently insufficient to determine the role of this variant in disease. Therefore, it has been classified as a Variant of Uncertain Significance.

NM_001903.5(CTNNA1):c.1048G>C (p.Glu350Gln)

Gene: CTNNA1 (catenin alpha 1; plus strand). Cytogenetic location: 5q31.2.
Variant type: single nucleotide variant.
Coding change: c.1048G>C on transcript NM_001903.5 (MANE Select); coding-DNA position 1048, G replaced by C.
Protein change: p.Glu350Gln; replaces glutamic acid 350 with glutamine.
Molecular consequence: missense variant.
Genome position (GRCh38, 1-based): chr5:138,827,704, G>C. VCF-style: chr5-138827704-G-C. GRCh37 (hg19) VCF-style: chr5-138163393-G-C.
Other names: c.1048G>C, p.Glu350Gln (NM_001290307.3, NM_001323982.2, NM_001323983.1 and 3 more transcripts); c.739G>C, p.Glu247Gln (NM_001290309.3); c.679G>C, p.Glu227Gln (NM_001290310.3); short protein forms E247Q, E227Q, E350Q.
Identifiers: ClinVar variation 3270071 (VCV003270071.3).
Genomic context (GRCh38, chr5:138,827,704, plus strand): 5'-CGTGAGCGAATTGTGGCAGAGTGTAATGCTGTCCGCCAGGCCCTGCAGGACCTGCTTTCG[G>C]AGTACATGGGCAATGTGAGTTTGACAGCTTTTCTTTGAAGTAAGATATTTATGGATGAGG-3'
Protein context (NP_001894.2, residues 340-360): VRQALQDLLS[Glu350Gln]YMGNAGRKER